The following is an entry in ClinVar:

ClinVar aggregate classification (germline): Conflicting classifications of pathogenicity. Review status: criteria provided, conflicting classifications (1 of 4 stars). 4 submissions from 4 submitters: Uncertain significance (1); Benign (1); Likely benign (1). 1 of the submissions does not count toward it. Last evaluated 2025-04-01.

Conditions:
Non-obstructive azoospermia. Identifiers: MedGen C4021107, HP:0011961.
KLHL10-related disorder. Also called: KLHL10-related condition.

Allele frequency attached by ClinVar (database versions not stated): 1000 Genomes Project 0.00140; 1000 Genomes Project 30x 0.00219; gnomAD exomes 0.00546 and 0.00828; gnomAD 0.00552 and 0.00574; TOPMed 0.00568; ESP Exome Variant Server 0.00580; ExAC 0.00616.

Submissions (4):

CeGaT Center for Human Genetics Tuebingen
Classification: Likely benign. Last evaluated: 2025-04-01. Review status: criteria provided, single submitter. Criteria: CeGaT Center For Human Genetics Tuebingen Variant Classification Criteria Version 2. Collection method: clinical testing. Allele origin: germline. Affected: yes. Observed: 3 variant alleles.
Comment: KLHL10: PP2, BS2

Institute of Reproductive Genetics, University of Münster
Classification: Uncertain significance for Non-obstructive azoospermia. Last evaluated: 2020-06-07. Review status: criteria provided, single submitter. Criteria: ACMG Guidelines, 2015. Collection method: research. Allele origin: unknown. Affected: yes. Observed: 1 variant allele.

Labcorp Genetics (formerly Invitae), Labcorp
Classification: Benign. Last evaluated: 2019-12-31. Review status: criteria provided, single submitter. Criteria: Invitae Variant Classification Sherloc (09022015). Collection method: clinical testing. Allele origin: germline.

PreventionGenetics, part of Exact Sciences
Classification: Benign for KLHL10-related condition. Last evaluated: 2019-07-18. Review status: no assertion criteria provided. Collection method: clinical testing. Allele origin: germline. Not counted in ClinVar's aggregate classification.
Comment: This variant is classified as benign based on ACMG/AMP sequence variant interpretation guidelines (Richards et al. 2015 PMID: 25741868, with internal and published modifications).

Literature cited by the submitters: PubMed 31479588 (cited by Institute of Reproductive Genetics, University of Münster).

NM_152467.5(KLHL10):c.887T>C (p.Ile296Thr)

Gene: KLHL10 (kelch like family member 10; plus strand). Cytogenetic location: 17q21.2.
Variant type: single nucleotide variant.
Coding change: c.887T>C on transcript NM_152467.5 (MANE Select); coding-DNA position 887, T replaced by C.
Protein change: p.Ile296Thr; replaces isoleucine 296 with threonine.
Molecular consequence: missense variant.
Genome position (GRCh38, 1-based): chr17:41,845,328, T>C. VCF-style: chr17-41845328-T-C. GRCh37 (hg19) VCF-style: chr17-40001580-T-C.
Other names: c.887T>C, p.Ile296Thr (NM_001329595.1); c.623T>C, p.Ile208Thr (NM_001329596.2); short protein forms I208T, I296T.
Identifiers: ClinVar variation 684737 (VCV000684737.32), dbSNP rs61752339, ClinGen allele CA8567290.
Genomic context (GRCh38, chr17:41,845,328, plus strand): 5'-ATTCTGATTTCACCAACCCACTCACCAGACCACGCTTGCCCTATGCCATCCTCTTTGCAA[T>C]TGGTGGCTGGAGTGGTGGGAGCCCCACCAATGCCATTGAGGCATATGACGCTCGGGCAGA-3'
Protein context (NP_689680.2, residues 286-306): PRLPYAILFA[Ile296Thr]GGWSGGSPTN